The following is an entry in ClinVar:

ClinVar aggregate classification (germline): Conflicting classifications of pathogenicity. Review status: criteria provided, conflicting classifications (1 of 4 stars). 4 submissions from 4 submitters: Uncertain significance (3); Likely benign (1). Last evaluated 2025-12-24.

Conditions:
Inborn genetic diseases. Identifiers: MedGen C0950123, MeSH D030342.

Allele frequency attached by ClinVar (database versions not stated): gnomAD 0.00004 and 0.00005; 1000 Genomes Project 30x 0.00031; gnomAD exomes 0.00002 and 0.00001; ExAC 0.00003; ESP Exome Variant Server 0.00008; 1000 Genomes Project 0.00020; TOPMed 0.00005.
gnomAD v4.1: 16 of 1,599,934 alleles (0.001%); highest among the groups gnomAD compares: African/African-American, 0.015%; no homozygotes.

Submissions (4):

Labcorp Genetics (formerly Invitae), Labcorp
Classification: Likely benign. Last evaluated: 2025-12-24. Review status: criteria provided, single submitter. Criteria: Invitae Variant Classification Sherloc (09022015). Collection method: clinical testing. Allele origin: germline.

Ambry Genetics
Classification: Uncertain significance for Inborn genetic diseases. Last evaluated: 2025-08-11. Review status: criteria provided, single submitter. Criteria: Ambry Variant Classification Scheme 2023. Collection method: clinical testing. Allele origin: germline.

GeneDx
Classification: Uncertain significance. Last evaluated: 2019-02-11. Review status: criteria provided, single submitter. Criteria: GeneDx Variant Classification Process June 2021. Collection method: clinical testing. Allele origin: germline. Affected: yes.
Comment: In silico analysis, which includes protein predictors and evolutionary conservation, supports that this variant does not alter protein structure/function; Has not been previously published as pathogenic or benign to our knowledge

Eurofins Ntd Llc (ga)
Classification: Uncertain significance. Last evaluated: 2017-06-30. Review status: criteria provided, single submitter. Criteria: EGL Classification Definitions 2015. Collection method: clinical testing. Allele origin: germline. Observed: 1 variant allele, 1 heterozygote.

NM_005422.4(TECTA):c.2288C>T (p.Pro763Leu)

Genes: TBCEL-TECTA (TBCEL-TECTA readthrough; plus strand), TECTA (tectorin alpha; plus strand). Cytogenetic location: 11q23.3.
Variant type: single nucleotide variant.
Coding change: c.2288C>T on transcript NM_005422.4 (MANE Select); coding-DNA position 2288, C replaced by T.
Protein change: p.Pro763Leu; replaces proline 763 with leucine.
Molecular consequence: missense variant.
Genome position (GRCh38, 1-based): chr11:121,128,265, C>T. VCF-style: chr11-121128265-C-T. GRCh37 (hg19) VCF-style: chr11-120998974-C-T.
Other names: c.3245C>T, p.Pro1082Leu (NM_001378761.1); short protein forms P763L, P1082L.
Identifiers: ClinVar variation 592969 (VCV000592969.11), dbSNP rs151296951, ClinGen allele CA6326949.